The following is an entry in ClinVar:

NM_001032283.3(TMPO):c.322G>T (p.Asp108Tyr)

Gene: TMPO (thymopoietin; plus strand). Cytogenetic location: 12q23.1.
Variant type: single nucleotide variant.
Coding change: c.322G>T on transcript NM_001032283.3 (MANE Select); coding-DNA position 322, G replaced by T.
Protein change: p.Asp108Tyr; replaces aspartic acid 108 with tyrosine.
Molecular consequence: missense variant.
Genome position (GRCh38, 1-based): chr12:98,527,928, G>T. VCF-style: chr12-98527928-G-T. GRCh37 (hg19) VCF-style: chr12-98921706-G-T.
Other names: c.322G>T, p.Asp108Tyr (NM_001032284.3, NM_001307975.2, NM_003276.2); short protein forms D108Y.
Identifiers: ClinVar variation 3223174 (VCV003223174.1), dbSNP rs2548498854, ClinGen allele CA386150791.

ClinVar aggregate classification (germline): Uncertain significance (1 of 4 stars; one submission).

Submission:

Ambry Genetics
Classification: Uncertain significance. Last evaluated: 2023-12-30. Review status: criteria provided, single submitter. Criteria: Ambry Variant Classification Scheme 2023. Collection method: clinical testing. Allele origin: germline.
Comment: The p.D108Y variant (also known as c.322G>T), located in coding exon 2 of the TMPO gene, results from a G to T substitution at nucleotide position 322. The aspartic acid at codon 108 is replaced by tyrosine, an amino acid with highly dissimilar properties. This amino acid position is conserved. In addition, the in silico prediction for this alteration is inconclusive. Since supporting evidence is limited at this time, the clinical significance of this alteration remains unclear.